The following is an entry in ClinVar:

ClinVar aggregate classification (germline): Uncertain significance. Review status: criteria provided, multiple submitters, no conflicts (2 of 4 stars). 2 submissions from 2 submitters: Uncertain significance (2). Last evaluated 2025-01-11.

Conditions:
Inborn genetic diseases. Identifiers: MedGen C0950123, MeSH D030342.

gnomAD v4.1: 7 of 1,613,934 alleles (0.00043%); highest among the groups gnomAD compares: Non-Finnish European, 0.00059%; no homozygotes.

Submissions (2):

Ambry Genetics
Classification: Uncertain significance for Inborn genetic diseases. Last evaluated: 2025-01-11. Review status: criteria provided, single submitter. Criteria: Ambry Variant Classification Scheme 2023. Collection method: clinical testing. Allele origin: germline.
Comment: The p.Q1138H variant (also known as c.3414A>C), located in coding exon 24 of the ANKRD26 gene, results from an A to C substitution at nucleotide position 3414. The glutamine at codon 1138 is replaced by histidine, an amino acid with highly similar properties. This amino acid position is conserved. In addition, this alteration is predicted to be tolerated by in silico analysis. Based on the available evidence, the clinical significance of this variant remains unclear.

Labcorp Genetics (formerly Invitae), Labcorp
Classification: Uncertain significance. Last evaluated: 2022-03-14. Review status: criteria provided, single submitter. Criteria: Invitae Variant Classification Sherloc (09022015). Collection method: clinical testing. Allele origin: germline.
Comment: This sequence change replaces glutamine, which is neutral and polar, with histidine, which is basic and polar, at codon 1138 of the ANKRD26 protein (p.Gln1138His). This variant is present in population databases (rs780990101, gnomAD 0.002%). In summary, the available evidence is currently insufficient to determine the role of this variant in disease. Therefore, it has been classified as a Variant of Uncertain Significance. Algorithms developed to predict the effect of missense changes on protein structure and function output the following: SIFT: "Deleterious"; PolyPhen-2: "Benign"; Align-GVGD: "Class C0". The histidine amino acid residue is found in multiple mammalian species, which suggests that this missense change does not adversely affect protein function. This variant has not been reported in the literature in individuals affected with ANKRD26-related conditions.

NM_014915.3(ANKRD26):c.3414A>C (p.Gln1138His)

Gene: ANKRD26 (ankyrin repeat domain 26; minus strand). Cytogenetic location: 10p12.1.
Variant type: single nucleotide variant.
Coding change: c.3414A>C on transcript NM_014915.3 (MANE Select); coding-DNA position 3414, A replaced by C.
Protein change: p.Gln1138His; replaces glutamine 1138 with histidine.
Molecular consequence: missense variant.
Genome position (GRCh38, 1-based): chr10:27,035,036, T>G on the plus strand (A>C on the coding strand, the complement: ANKRD26 is on the minus strand). VCF-style: chr10-27035036-T-G. GRCh37 (hg19) VCF-style: chr10-27323965-T-G.
Other names: c.3411A>C, p.Gln1137His (NM_001256053.2); short protein forms Q1137H, Q1138H.
Identifiers: ClinVar variation 2170862 (VCV002170862.5), dbSNP rs780990101, ClinGen allele CA5448043.
Genomic context (GRCh38, chr10:27,035,036, plus strand): 5'-GTCAGCCTTGTTGTGGGCATCATCCAGTTGTTGTCGAAGCAACATATTCTCACTTTGTAG[T>G]TGAGACAATCTCTCCTCTACAGACTCCTGCTTTCCAATGTATTTATTCACTTTAACTTGT-3'
Protein context (NP_055730.2, residues 1128-1148): KQESVEERLS[Gln1138His]LQSENMLLRQ